The following is an entry in ClinVar:

NM_024407.5(NDUFS7):c.52C>T (p.Arg18Cys)

Gene: NDUFS7 (NADH:ubiquinone oxidoreductase core subunit S7; plus strand). Cytogenetic location: 19p13.3.
Variant type: single nucleotide variant.
Coding change: c.52C>T on transcript NM_024407.5 (MANE Select); coding-DNA position 52, C replaced by T.
Protein change: p.Arg18Cys; replaces arginine 18 with cysteine.
Molecular consequence: missense variant.
Genome position (GRCh38, 1-based): chr19:1,387,846, C>T. VCF-style: chr19-1387846-C-T. GRCh37 (hg19) VCF-style: chr19-1387845-C-T.
Other names: c.52C>T, p.Arg18Cys (NM_001363602.2); short protein forms R18C.
Identifiers: ClinVar variation 1028809 (VCV001028809.7), dbSNP rs769894226, ClinGen allele CA9043028.

ClinVar aggregate classification (germline): Uncertain significance. Review status: criteria provided, multiple submitters, no conflicts (2 of 4 stars). 4 submissions from 4 submitters: Uncertain significance (4). Last evaluated 2024-05-01.

Conditions:
Leigh syndrome (NULS). Also called: Leigh Disease; Subacute necrotizing encephalopathy; Necrotizing encephalopathy infantile subacute of Leigh; LEIGH SYNDROME, NUCLEAR; Leigh's necrotizing encephalopathy; Leigh's disease. Identifiers: Orphanet 506, MedGen C2931891, MONDO:0009723, OMIM 256000.
Inborn genetic diseases. Identifiers: MedGen C0950123, MeSH D030342.

Allele frequency attached by ClinVar (database versions not stated): TOPMed 0.00001; gnomAD 0.00005 and 0.00006; ExAC 0.00008.
gnomAD v4.1: 56 of 1,591,702 alleles (0.0035%); highest among the groups gnomAD compares: Middle Eastern, 0.017%; no homozygotes.

Submissions (4):

Ambry Genetics
Classification: Uncertain significance for Inborn genetic diseases. Last evaluated: 2024-05-01. Review status: criteria provided, single submitter. Criteria: Ambry Variant Classification Scheme 2023. Collection method: clinical testing. Allele origin: germline.

Labcorp Genetics (formerly Invitae), Labcorp
Classification: Uncertain significance. Last evaluated: 2023-12-11. Review status: criteria provided, single submitter. Criteria: Invitae Variant Classification Sherloc (09022015). Collection method: clinical testing. Allele origin: germline.
Comment: This sequence change replaces arginine, which is basic and polar, with cysteine, which is neutral and slightly polar, at codon 18 of the NDUFS7 protein (p.Arg18Cys). This variant is present in population databases (rs769894226, gnomAD 0.006%). This variant has not been reported in the literature in individuals affected with NDUFS7-related conditions. ClinVar contains an entry for this variant (Variation ID: 1028809). An algorithm developed to predict the effect of missense changes on protein structure and function (PolyPhen-2) suggests that this variant¬†is likely to be tolerated. In summary, the available evidence is currently insufficient to determine the role of this variant in disease. Therefore, it has been classified as a Variant of Uncertain Significance.

Blueprint Genetics
Classification: Uncertain significance. Last evaluated: 2022-08-30. Review status: criteria provided, single submitter. Criteria: ACMG Guidelines, 2015. Collection method: clinical testing. Allele origin: germline.

Baylor Genetics
Classification: Uncertain significance for Leigh syndrome. Last evaluated: 2020-05-05. Review status: criteria provided, single submitter. Criteria: ACMG Guidelines, 2015. Collection method: clinical testing. Allele origin: unknown. Affected: yes.
Comment: This variant was determined to be of uncertain significance according to ACMG Guidelines, 2015 [PMID:25741868].